The following is an entry in ClinVar:

NM_001378328.1(CELSR1):c.8130G>A (p.Lys2710=)

Gene: CELSR1 (cadherin EGF LAG seven-pass G-type receptor 1; minus strand). Cytogenetic location: 22q13.31.
Variant type: single nucleotide variant.
Coding change: c.8130G>A on transcript NM_001378328.1 (MANE Select); coding-DNA position 8130, G replaced by A.
Protein change: p.Lys2710=; no amino-acid change (lysine 2710 retained).
Molecular consequence: synonymous variant.
Genome position (GRCh38, 1-based): chr22:46,367,068, C>T on the plus strand (G>A on the coding strand, the complement: CELSR1 is on the minus strand). VCF-style: chr22-46367068-C-T. GRCh37 (hg19) VCF-style: chr22-46762965-C-T.
Other names: c.8130G>A, p.Lys2710= (NM_014246.4).
Identifiers: ClinVar variation 2653309 (VCV002653309.24), dbSNP rs2518259813, ClinGen allele CA514927402.

ClinVar aggregate classification (germline): Likely benign (1 of 4 stars; one submission).

Submission:

CeGaT Center for Human Genetics Tuebingen
Classification: Likely benign. Last evaluated: 2023-04-01. Review status: criteria provided, single submitter. Criteria: CeGaT Center For Human Genetics Tuebingen Variant Classification Criteria Version 2. Collection method: clinical testing. Allele origin: germline. Affected: yes. Observed: 1 variant allele.
Comment: CELSR1: PM2:Supporting, BP4, BP7